The following is an entry in ClinVar:

ClinVar aggregate classification (germline): Uncertain significance (1 of 4 stars; one submission).

Submission:

Labcorp Genetics (formerly Invitae), Labcorp
Classification: Uncertain significance. Last evaluated: 2023-10-05. Review status: criteria provided, single submitter. Criteria: Invitae Variant Classification Sherloc (09022015). Collection method: clinical testing. Allele origin: germline.
Comment: This sequence change affects a donor splice site in intron 15 of the ARHGEF1 gene. It is expected to disrupt RNA splicing. Variants that disrupt the donor or acceptor splice site typically lead to a loss of protein function (PMID: 16199547), however the current clinical and genetic evidence is not sufficient to establish whether loss-of-function variants in ARHGEF1 cause disease. This variant is not present in population databases (gnomAD no frequency). This variant has not been reported in the literature in individuals affected with ARHGEF1-related conditions. Algorithms developed to predict the effect of sequence changes on RNA splicing suggest that this variant may disrupt the consensus splice site. In summary, the available evidence is currently insufficient to determine the role of this variant in disease. Therefore, it has been classified as a Variant of Uncertain Significance.

Literature cited by the submitters: PubMed 16199547.

NM_004706.4(ARHGEF1):c.1414+1G>A

Gene: ARHGEF1 (Rho guanine nucleotide exchange factor 1; plus strand). Cytogenetic location: 19q13.2.
Variant type: single nucleotide variant.
Coding change: c.1414+1G>A on transcript NM_004706.4 (MANE Select); the canonical splice donor site of the intron after coding-DNA position 1414, G replaced by A.
Molecular consequence: splice donor variant.
Genome position (GRCh38, 1-based): chr19:41,902,034, G>A. VCF-style: chr19-41902034-G-A. GRCh37 (hg19) VCF-style: chr19-42406184-G-A.
Other names: c.1414+1G>A (NM_001396003.1, NM_001396006.1); c.1315+1G>A (NM_001396002.1, NM_198977.2, NM_001396004.1); c.1582+1G>A (NM_001396000.1); c.1459+1G>A (NM_199002.2).
Identifiers: ClinVar variation 2765715 (VCV002765715.3), dbSNP rs2513881522, ClinGen allele CA406060695.